The following is an entry in ClinVar:

NM_001142800.2(EYS):c.5506G>T (p.Glu1836Ter)

Gene: EYS (EGF-like photoreceptor maintenance factor; minus strand). Cytogenetic location: 6q12.
Variant type: single nucleotide variant.
Coding change: c.5506G>T on transcript NM_001142800.2 (MANE Select); coding-DNA position 5506, G replaced by T.
Protein change: p.Glu1836Ter; replaces glutamic acid 1836 with a stop codon.
Molecular consequence: nonsense.
Genome position (GRCh38, 1-based): chr6:64,590,361, C>A on the plus strand (G>T on the coding strand, the complement: EYS is on the minus strand). VCF-style: chr6-64590361-C-A. GRCh37 (hg19) VCF-style: chr6-65300254-C-A.
Other names: c.5506G>T, p.Glu1836Ter (NM_001292009.2); short protein forms E1836*.
Identifiers: ClinVar variation 5010866 (VCV005010866.1).

ClinVar aggregate classification (germline): Pathogenic (1 of 4 stars; one submission).

Conditions:
Retinitis pigmentosa 25 (RP25). Identifiers: Orphanet 791, MedGen C1864446, MONDO:0011272, OMIM 602772.

gnomAD v4.1: 1 of 1,551,148 alleles (0.000064%); highest among the groups gnomAD compares: Admixed American, 0.002%; no homozygotes.

Submission:

Myriad Genetics, Inc.
Classification: Pathogenic for Retinitis pigmentosa 25. Last evaluated: 2024-05-14. Review status: criteria provided, single submitter. Criteria: Myriad Autosomal Dominant, Autosomal Recessive and X-Linked Classification Criteria (2023). Collection method: clinical testing. Allele origin: unknown.
Comment: NM_001142800.1(EYS):c.5506G>T(E1836*) is expected to be pathogenic in the context of retinitis pigmentosa, EYS-related. This variant is predicted to lead to an abnormal or absent protein product due to the creation of a premature termination codon in EYS, a gene where loss-of-function variants are known to be pathogenic. Please note: this variant was assessed in the context of healthy population screening.